The following is an entry in ClinVar:

NM_001378454.1(ALMS1):c.5684C>G (p.Ser1895Cys)

Gene: ALMS1 (ALMS1 centrosome and basal body associated protein; plus strand). Cytogenetic location: 2p13.1.
Variant type: single nucleotide variant.
Coding change: c.5684C>G on transcript NM_001378454.1 (MANE Select); coding-DNA position 5684, C replaced by G.
Protein change: p.Ser1895Cys; replaces serine 1895 with cysteine.
Molecular consequence: missense variant.
Genome position (GRCh38, 1-based): chr2:73,452,211, C>G. VCF-style: chr2-73452211-C-G. GRCh37 (hg19) VCF-style: chr2-73679338-C-G.
Other names: c.5687C>G, p.Ser1896Cys (NM_015120.4); short protein forms S1895C, S1896C.
Identifiers: ClinVar variation 1065649 (VCV001065649.1), dbSNP rs2103787360, ClinGen allele CA347282964.

ClinVar aggregate classification (germline): Likely pathogenic (1 of 4 stars; one submission).

Conditions:
Alstrom syndrome (ALMS). Identifiers: Orphanet 64, MedGen C0268425, MONDO:0008763, OMIM 203800.

Submission:

Ocular Genomics Institute, Massachusetts Eye and Ear
Classification: Likely pathogenic for Alstrom syndrome. Last evaluated: 2021-04-08. Review status: criteria provided, single submitter. Criteria: ACMG Guidelines, 2015. Collection method: research. Allele origin: germline. Affected: yes.
Comment: Through a review of available evidence we were able to apply the following criteria: PM2, PVS1. Based on this evidence we have classified this variant as Likely Pathogenic.